The following is an entry in ClinVar:

NM_005199.5(CHRNG):c.125G>A (p.Arg42Gln)

Gene: CHRNG (cholinergic receptor nicotinic gamma subunit; plus strand). Cytogenetic location: 2q37.1.
Variant type: single nucleotide variant.
Coding change: c.125G>A on transcript NM_005199.5 (MANE Select); coding-DNA position 125, G replaced by A.
Protein change: p.Arg42Gln; replaces arginine 42 with glutamine.
Molecular consequence: missense variant.
Genome position (GRCh38, 1-based): chr2:232,540,061, G>A. VCF-style: chr2-232540061-G-A. GRCh37 (hg19) VCF-style: chr2-233404771-G-A.
Other names: short protein forms R42Q.
Identifiers: ClinVar variation 376837 (VCV000376837.63), dbSNP rs148468628, ClinGen allele CA2168508.

ClinVar aggregate classification (germline): Conflicting classifications of pathogenicity. Review status: criteria provided, conflicting classifications (1 of 4 stars). 12 submissions from 11 submitters: Uncertain significance (1); Likely benign (7). 4 of the submissions do not count toward it. Last evaluated 2026-08-01.

Conditions:
CHRNG-related disorder. Also called: CHRNG-related condition; CHRNG-related disorders.
Autosomal recessive multiple pterygium syndrome. Also called: MULTIPLE PTERYGIUM SYNDROME, ESCOBAR VARIANT; PTERYGIUM COLLI SYNDROME; PTERYGIUM SYNDROME; PTERYGIUM UNIVERSALE. Identifiers: Orphanet 2990, MedGen C0265261, MONDO:0009926, OMIM 265000.
Lethal multiple pterygium syndrome (LMPS). Identifiers: Orphanet 33108, MedGen C1854678, MONDO:0009668, OMIM 253290.

Allele frequency attached by ClinVar (database versions not stated): 1000 Genomes Project 0.00060; 1000 Genomes Project 30x 0.00062; ESP Exome Variant Server 0.00231; gnomAD 0.00254 and 0.00262; TOPMed 0.00268.
gnomAD v4.1: 4,635 of 1,614,220 alleles (0.29%); highest among the groups gnomAD compares: Non-Finnish European, 0.35%; 11 homozygotes.

Submissions (12):

CeGaT Center for Human Genetics Tuebingen
Classification: Likely benign. Last evaluated: 2026-08-01. Review status: criteria provided, single submitter. Criteria: CeGaT Center For Human Genetics Tuebingen Variant Classification Criteria Version 2. Collection method: clinical testing. Allele origin: germline. Affected: yes. Observed: 5 variant alleles.
Comment: CHRNG: BS2

Labcorp Genetics (formerly Invitae), Labcorp
Classification: Likely benign. Last evaluated: 2026-02-02. Review status: criteria provided, single submitter. Criteria: Invitae Variant Classification Sherloc (09022015). Collection method: clinical testing. Allele origin: germline.

Blueprint Genetics
Classification: Likely benign. Last evaluated: 2024-11-20. Review status: criteria provided, single submitter. Criteria: ACMG Guidelines, 2015. Collection method: clinical testing. Allele origin: germline.

Women's Health and Genetics/Laboratory Corporation of America, LabCorp
Classification: Likely benign. Last evaluated: 2022-02-18. Review status: criteria provided, single submitter. Criteria: LabCorp Variant Classification Summary - May 2015. Collection method: clinical testing. Allele origin: germline.
Comment: Variant summary: CHRNG c.125G>A (p.Arg42Gln) results in a conservative amino acid change located in the Neurotransmitter-gated ion-channel ligand-binding domain (IPR006202) of the encoded protein sequence. Four of five in-silico tools predict a damaging effect of the variant on protein function. The variant allele was found at a frequency of 0.0023 in 282714 control chromosomes, predominantly at a frequency of 0.0038 within the Non-Finnish European subpopulation in the gnomAD database, including 3 homozygotes. The observed variant frequency within Non-Finnish European control individuals in the gnomAD database is approximately 3.4 fold of the estimated maximal expected allele frequency for a pathogenic variant in CHRNG causing Lethal Multiple Pterygium Syndrome - CHRNG Related phenotype (0.0011), strongly suggesting that the variant is a benign polymorphism found primarily in populations of Non-Finnish European origin. Six ClinVar submitters have assessed the variant since 2014: two have classified the variant as of uncertain significance and four as likely benign. Based on the evidence outlined above, the variant was classified as likely benign.

GeneDx
Classification: Likely benign. Last evaluated: 2020-10-27. Review status: criteria provided, single submitter. Criteria: GeneDx Variant Classification Process June 2021. Collection method: clinical testing. Allele origin: germline. Affected: yes.
Comment: This variant is associated with the following publications: (PMID: 30467950)

Illumina Laboratory Services, Illumina
Classification: Likely benign for Lethal multiple pterygium syndrome. Last evaluated: 2018-01-13. Review status: criteria provided, single submitter. Criteria: ICSL Variant Classification Criteria 13 December 2019. Collection method: clinical testing. Allele origin: germline.
Comment: This variant was observed in the ICSL laboratory as part of a predisposition screen in an ostensibly healthy population. It had not been previously curated by ICSL or reported in the Human Gene Mutation Database (HGMD: prior to June 1st, 2018), and was therefore a candidate for classification through an automated scoring system. Utilizing variant allele frequency, disease prevalence and penetrance estimates, and inheritance mode, an automated score was calculated to assess if this variant is too frequent to cause the disease. Based on the score and internal cut-off values, a variant classified as likely benign is not then subjected to further curation. The score for this variant resulted in a classification of likely benign for this disease.

Illumina Laboratory Services, Illumina
Classification: Uncertain significance for Autosomal recessive multiple pterygium syndrome. Last evaluated: 2018-01-13. Review status: criteria provided, single submitter. Criteria: ICSL Variant Classification Criteria 13 December 2019. Collection method: clinical testing. Allele origin: germline.

Center for Pediatric Genomic Medicine, Children's Mercy Hospital and Clinics
Classification: Likely benign. Last evaluated: 2017-01-04. Review status: criteria provided, single submitter. Criteria: ACMG Guidelines, 2015. Collection method: clinical testing. Allele origin: germline.
ClinVar note: Converted during submission from Likely Benign to Likely benign.

PreventionGenetics, part of Exact Sciences
Classification: Likely benign for CHRNG-related condition. Last evaluated: 2019-05-07. Review status: no assertion criteria provided. Collection method: clinical testing. Allele origin: germline. Not counted in ClinVar's aggregate classification.
Comment: This variant is classified as likely benign based on ACMG/AMP sequence variant interpretation guidelines (Richards et al. 2015 PMID: 25741868, with internal and published modifications).

Department of Pathology and Laboratory Medicine, Sinai Health System
Classification: Benign. Review status: no assertion criteria provided. Collection method: clinical testing. Allele origin: unknown. Affected: yes. Study: The Canadian Open Genetics Repository (COGR). Not counted in ClinVar's aggregate classification.
Comment: The CHRNG p.Arg42Gln variant was not identified in the literature but was identified in dbSNP (ID: rs148468628) and ClinVar (classified as likely benign by Invitae and Center for Pediatric Genomic Medicine, Children's Mercy Hospital, and as uncertain significance by CeGat Praxis fuer Humangenetik Tuebingen). The variant was identified in control databases in 661 of 282714 chromosomes (3 homozygous) at a frequency of 0.002338 increasing the likelihood this could be a low frequency benign variant (Genome Aggregation Database March 6, 2019, v2.1.1). The variant was observed in the following populations: Ashkenazi Jewish in 52 of 10364 chromosomes (freq: 0.005017), European (non-Finnish) in 493 of 129072 chromosomes (freq: 0.00382), Other in 18 of 7222 chromosomes (freq: 0.002492), Latino in 67 of 35412 chromosomes (freq: 0.001892), European (Finnish) in 18 of 25114 chromosomes (freq: 0.000717), African in 11 of 24962 chromosomes (freq: 0.000441), East Asian in 1 of 19952 chromosomes (freq: 0.00005), and South Asian in 1 of 30616 chromosomes (freq: 0.000033). The p.Arg42 residue is conserved in mammals and computational analyses (PolyPhen-2, SIFT, AlignGVGD, BLOSUM, MutationTaster) provide inconsistent predictions regarding the impact to the protein; this information is not very predictive of pathogenicity. The variant occurs outside of the splicing consensus sequence and 2 of 4 in silico or computational prediction software programs (SpliceSiteFinder, MaxEntScan, NNSPLICE, GeneSplicer) predict a greater than 10% difference in splicing; this is not very predictive of pathogenicity. In summary, based on the above information this variant meets our laboratory's criteria to be classified as benign.

Genome Diagnostics Laboratory, University Medical Center Utrecht
Classification: Likely benign. Review status: no assertion criteria provided. Collection method: clinical testing. Allele origin: germline. Affected: yes. Study: VKGL Data-share Consensus. Not counted in ClinVar's aggregate classification.

Laboratory of Diagnostic Genome Analysis, Leiden University Medical Center (LUMC)
Classification: Likely benign. Review status: no assertion criteria provided. Collection method: clinical testing. Allele origin: germline. Affected: yes. Study: VKGL Data-share Consensus. Not counted in ClinVar's aggregate classification.